The following is an entry in ClinVar:

NM_002075.4(GNB3):c.603G>A (p.Ser201=)

Gene: GNB3 (G protein subunit beta 3; plus strand). Cytogenetic location: 12p13.31.
Variant type: single nucleotide variant.
Coding change: c.603G>A on transcript NM_002075.4 (MANE Select); coding-DNA position 603, G replaced by A.
Protein change: p.Ser201=; no amino-acid change (serine 201 retained).
Molecular consequence: synonymous variant.
Genome position (GRCh38, 1-based): chr12:6,843,882, G>A. VCF-style: chr12-6843882-G-A. GRCh37 (hg19) VCF-style: chr12-6953046-G-A.
Other names: c.600G>A, p.Ser200= (NM_001297571.2).
Identifiers: ClinVar variation 1908007 (VCV001908007.5), dbSNP rs782790179, ClinGen allele CA6417590.
Genomic context (GRCh38, chr12:6,843,882, plus strand): 5'-GGGACACACGGGTGACTGCATGAGCCTGGCTGTGTCTCCTGACTTCAATCTCTTCATTTC[G>A]GGGGCCTGTGATGCCAGTGCCAAGCTCTGGGATGTGCGAGAGGGGACCTGCCGTCAGACT-3'
Protein context (NP_002066.1, residues 191-211): AVSPDFNLFI[Ser201=]GACDASAKLW

ClinVar aggregate classification (germline): Uncertain significance (1 of 4 stars; one submission).

Allele frequency attached by ClinVar (database versions not stated): gnomAD exomes 0.00001.

Submission:

Labcorp Genetics (formerly Invitae), Labcorp
Classification: Uncertain significance. Last evaluated: 2023-08-17. Review status: criteria provided, single submitter. Criteria: Invitae Variant Classification Sherloc (09022015). Collection method: clinical testing. Allele origin: germline.
Comment: This variant has not been reported in the literature in individuals affected with GNB3-related conditions. In summary, the available evidence is currently insufficient to determine the role of this variant in disease. Therefore, it has been classified as a Variant of Uncertain Significance. Algorithms developed to predict the effect of sequence changes on RNA splicing suggest that this variant may disrupt the consensus splice site. ClinVar contains an entry for this variant (Variation ID: 1908007). This variant is present in population databases (rs782790179, gnomAD 0.005%). This sequence change affects codon 201 of the GNB3 mRNA. It is a 'silent' change, meaning that it does not change the encoded amino acid sequence of the GNB3 protein.